The following is an entry in ClinVar:

ClinVar aggregate classification (germline): Likely benign (1 of 4 stars; one submission).

Allele frequency attached by ClinVar (database versions not stated): ExAC 0.00006; 1000 Genomes Project 0.00040.
gnomAD v4.1: 15 of 1,579,120 alleles (0.00095%); highest among the groups gnomAD compares: East Asian, 0.0045%; no homozygotes.

Submission:

CeGaT Center for Human Genetics Tuebingen
Classification: Likely benign. Last evaluated: 2024-04-01. Review status: criteria provided, single submitter. Criteria: CeGaT Center For Human Genetics Tuebingen Variant Classification Criteria Version 2. Collection method: clinical testing. Allele origin: germline. Affected: yes. Observed: 1 variant allele.
Comment: CEL: BP4, BP7

NM_001807.6(CEL):c.2166C>T (p.Ala722=)

Gene: CEL (carboxyl ester lipase; plus strand). Cytogenetic location: 9q34.13.
Variant type: single nucleotide variant.
Coding change: c.2166C>T on transcript NM_001807.6 (MANE Select); coding-DNA position 2166, C replaced by T.
Protein change: p.Ala722=; no amino-acid change (alanine 722 retained).
Molecular consequence: synonymous variant.
Genome position (GRCh38, 1-based): chr9:133,071,668, C>T. VCF-style: chr9-133071668-C-T. GRCh37 (hg19) VCF-style: chr9-135947055-C-T.
Identifiers: ClinVar variation 3234122 (VCV003234122.20), dbSNP rs565729464, ClinGen allele CA5303670.
Genomic context (GRCh38, chr9:133,071,668, plus strand): 5'-CGTGACCCCCACGGGTGACTCCGAGACCGCCCCCGTGCCGCCCACGGGTGACTCCGGGGC[C>T]CCCCCTGTGCCCCCCACGGGTGACTCTGAGGCTGCCCCTGTGCCCCCCACAGATGACTCC-3'
Protein context (NP_001798.3, residues 712-732): APVPPTGDSG[Ala722=]PPVPPTGDSE